The following is an entry in ClinVar:

ClinVar aggregate classification (germline): Pathogenic. Review status: reviewed by expert panel (3 of 4 stars). 4 submissions from 4 submitters: Pathogenic (1). 3 of the submissions do not count toward it. Last evaluated 2024-08-07.

Conditions:
Nemaline myopathy 2 (NEM2). Also called: Nemaline myopathy 2, autosomal recessive. Identifiers: MedGen C1850569, MONDO:0009725, OMIM 256030.
Nemaline myopathy. Also called: Myopathies, Nemaline. Identifiers: Orphanet 607, MedGen C0206157, MONDO:0018958.

Allele frequency attached by ClinVar (database versions not stated): gnomAD 0.00001; gnomAD exomes 0.00001; ExAC 0.00002.
gnomAD v4.1: 10 of 1,613,814 alleles (0.00062%); no homozygotes.

Submissions (4):

ClinGen Congenital Myopathies Variant Curation Expert Panel, ClinGen
Classification: Pathogenic for Nemaline myopathy. Last evaluated: 2024-08-07. Review status: reviewed by expert panel. Criteria: ClinGen CongenMyopathy ACMG Specifications NEB V1.0.0. Collection method: curation. Allele origin: germline. Inheritance: Autosomal recessive inheritance.
Comment: The c.22144A>C p.(Thr7382Pro) variant in NEB is a missense variant predicted to cause substitution of Threonine by Proline at amino acid 7382. The highest population minor allele frequency in gnomAD v4.1.0 is 0.0001406 (9/64028 alleles) in the Finnish population (PM2_Supporting, BS1, and BA1 are not met). The computational predictor REVEL gives a SCORE of 0.286 which is neither above nor below the thresholds predicting a damaging or benign impact on NEB function. This variant has been detected in 4 individuals with typical nemaline myopathy. Two of those individuals were compound heterozygous with an LP/P variant, phase confirmed and two were homozygous (PMID:16917880, 17525139) (PM3_Strong). At least two individuals with this variant displayed nemaline bodies (confirmed by electron microscopy), which is highly specific for nemaline myopathy (PP4, PMID:17525139). The variant has been reported to segregate with nemaline myopathy in 3 individuals with biallelic occurrence and 5 unaffected family members did not have biallelic occurrence in 2 families (PP1_Strong; PMID:17525139). Binding experiments for the nebulin super repeats, using co-sedimentation and GST (glutathione-S-transferase) pull-down assays (PMID: 25110572) showed weaker binding than WT proteins to tropomyosin. However, this assay does not meet the requirements for use by the ClinGen Congenital Myopathies VCEP. In summary, this variant meets the criteria to be classified as pathogenic for autosomal recessive nemaline myopathy based on the ACMG/AMP criteria applied, as specified by the ClinGen Congenital Myopathies VCEP: PM3_Strong, PP1_Strong, PP4. (Congenital Myopathies VCEP specifications version 1; 8/7/2024)

Broad Center for Mendelian Genomics, Broad Institute of MIT and Harvard
Classification: Pathogenic for Nemaline myopathy. Last evaluated: 2025-03-03. Review status: criteria provided, single submitter. Criteria: ACMG Guidelines, 2015. Collection method: curation. Allele origin: germline. Inheritance: Autosomal recessive inheritance. Not counted in ClinVar's aggregate classification.
Comment: The p.Thr7382Pro variant in NEB has been reported at least 8 individuals with nemaline myopathy (PMID: 12207938, 16917880, 17525139), segregated with disease in seven affected relatives from three families (PMID: 12207938, 17525139), and has been identified in 0.01% (9/64028) of European (Finnish) chromosomes by the Genome Aggregation Database (gnomAD; dbSNP ID: rs761232641). Although this variant has been seen in the general population in a heterozygous state, its frequency is low enough to be consistent with a recessive carrier frequency. This variant has also been reported in ClinVar (Variation ID: 506284) and has been interpreted as pathogenic by Invitae and OMIM. Of the affected individuals, two of those were homozygotes and two were compound heterozygotes that carried reported likely pathogenic variants in trans, which increases the likelihood that the p.Thr7382Pro variant is pathogenic (PMID: 12207938, 16917880, 17525139). Computational prediction tools and conservation analyses do not provide strong support for or against an impact to the protein. The phenotype of an individual heterozygous for this variant is highly specific for nemaline myopathy based on the presence of nemaline rods consistent with disease (PMID: 17525139). ACMG/AMP Criteria applied: PP1_strong, PM3_strong, PP4, PM2_supporting (Richards 2015).

Labcorp Genetics (formerly Invitae), Labcorp
Classification: Pathogenic for Nemaline myopathy 2. Last evaluated: 2021-07-14. Review status: criteria provided, single submitter. Criteria: Invitae Variant Classification Sherloc (09022015). Collection method: clinical testing. Allele origin: germline. Not counted in ClinVar's aggregate classification.
Comment: For these reasons, this variant has been classified as Pathogenic. Experimental studies have shown that this variant affects NEB protein function (PMID: 25110572). Algorithms developed to predict the effect of missense changes on protein structure and function are either unavailable or do not agree on the potential impact of this missense change (SIFT: "Deleterious"; PolyPhen-2: "Not Available"; Align-GVGD: "Class C0"). ClinVar contains an entry for this variant (Variation ID: 506284). This variant is also known as p.Thr5681Pro, g. 207181A>C (p.Thr5681Pro), and c.22144A>C (p.Thr7382Pro). This variant has been observed in individual(s) with autosomal recessive NEB-related conditions (PMID: 16917880, 17525139). In at least one individual the data is consistent with the variant being in trans (on the opposite chromosome) from a pathogenic variant. It has also been observed to segregate with disease in related individuals. This variant is present in population databases (rs761232641, ExAC 0.02%). This sequence change replaces threonine with proline at codon 7417 of the NEB protein (p.Thr7417Pro). The threonine residue is moderately conserved and there is a small physicochemical difference between threonine and proline.

OMIM
Classification: Pathogenic for NEMALINE MYOPATHY 2. Last evaluated: 2018-04-03. Review status: no assertion criteria provided. Collection method: literature only. Allele origin: germline. Not counted in ClinVar's aggregate classification.

Literature cited by the submitters: PubMed 25110572 (cited by Labcorp Genetics (formerly Invitae), Labcorp and OMIM); PubMed 16917880 (cited by Labcorp Genetics (formerly Invitae), Labcorp); PubMed 17525139 (cited by Labcorp Genetics (formerly Invitae), Labcorp and OMIM); PubMed 25205138 (cited by OMIM).

NM_001164508.2(NEB):c.22144A>C (p.Thr7382Pro)

Genes: RIF1 (replication timing regulatory factor 1; plus strand), NEB (nebulin; minus strand). Cytogenetic location: 2q23.3.
Variant type: single nucleotide variant.
Coding change: c.22144A>C on transcript NM_001164508.2 (MANE Select); coding-DNA position 22144, A replaced by C.
Protein change: p.Thr7382Pro; replaces threonine 7382 with proline.
Molecular consequence: missense variant.
Genome position (GRCh38, 1-based): chr2:151,525,975, T>G on the plus strand (A>C on the coding strand, the complement: NEB is on the minus strand). VCF-style: chr2-151525975-T-G. GRCh37 (hg19) VCF-style: chr2-152382489-T-G.
Other names: NM_001164508.2(NEB):c.22144A>C; p.Thr7382Pro; c.22144A>C, p.Thr7382Pro (NM_001164507.2); c.22249A>C, p.Thr7417Pro (NM_001271208.2); c.17041A>C, p.Thr5681Pro (NM_004543.5); short protein forms T5681P, T7417P, T7382P.
Identifiers: ClinVar variation 506284 (VCV000506284.11), dbSNP rs761232641, ClinGen allele CA1906766.